The following is an entry in ClinVar:

NM_000368.5(TSC1):c.1565C>G (p.Ala522Gly)

Gene: TSC1 (TSC complex subunit 1; minus strand). Cytogenetic location: 9q34.13.
Variant type: single nucleotide variant.
Coding change: c.1565C>G on transcript NM_000368.5 (MANE Select); coding-DNA position 1565, C replaced by G.
Protein change: p.Ala522Gly; replaces alanine 522 with glycine.
Molecular consequence: missense variant.
Genome position (GRCh38, 1-based): chr9:132,906,013, G>C on the plus strand (C>G on the coding strand, the complement: TSC1 is on the minus strand). VCF-style: chr9-132906013-G-C. GRCh37 (hg19) VCF-style: chr9-135781400-G-C.
Other names: c.1202C>G, p.Ala401Gly (NM_001362177.2); c.1562C>G, p.Ala521Gly (NM_001162426.2); c.1412C>G, p.Ala471Gly (NM_001162427.2); short protein forms A401G, A521G, A471G, A522G.
Identifiers: ClinVar variation 1512497 (VCV001512497.8), dbSNP rs1845647948, ClinGen allele CA375365064.

ClinVar aggregate classification (germline): Uncertain significance (1 of 4 stars; one submission).

Conditions:
Tuberous sclerosis 1 (TSC1). Identifiers: Orphanet 805, MedGen C1854465, MONDO:0008612, OMIM 191100.

Submission:

Labcorp Genetics (formerly Invitae), Labcorp
Classification: Uncertain significance for Tuberous sclerosis 1. Last evaluated: 2021-02-21. Review status: criteria provided, single submitter. Criteria: Invitae Variant Classification Sherloc (09022015). Collection method: clinical testing. Allele origin: germline.
Comment: This variant is not present in population databases (ExAC no frequency). In summary, the available evidence is currently insufficient to determine the role of this variant in disease. Therefore, it has been classified as a Variant of Uncertain Significance. Algorithms developed to predict the effect of missense changes on protein structure and function are either unavailable or do not agree on the potential impact of this missense change (SIFT: "Tolerated"; PolyPhen-2: "Possibly Damaging"; Align-GVGD: "Class C0"). This variant has not been reported in the literature in individuals with TSC1-related conditions. This sequence change replaces alanine with glycine at codon 522 of the TSC1 protein (p.Ala522Gly). The alanine residue is moderately conserved and there is a small physicochemical difference between alanine and glycine.